The following is an entry in ClinVar:

NM_001369.3(DNAH5):c.8216del (p.Lys2739fs)

Gene: DNAH5 (dynein axonemal heavy chain 5; minus strand). Cytogenetic location: 5p15.2.
Variant type: Deletion.
Coding change: c.8216del on transcript NM_001369.3 (MANE Select); coding-DNA position 8216, one base deleted (A; older notation c.8216delA).
Protein change: p.Lys2739fs; shifts the reading frame from lysine 2739.
Molecular consequence: frameshift variant.
Genome position (GRCh38, 1-based): chr5:13,793,523, T deleted on the plus strand (A on the coding strand, the reverse complement: DNAH5 is on the minus strand); the first of 2 consecutive T bases (chr5:13,793,523-13,793,524); deleting either gives the same sequence. VCF-style (leftmost placement, unchanged base first): chr5-13793522-CT-C. GRCh37 (hg19) VCF-style: chr5-13793631-CT-C.
Other names: short protein forms K2739fs.
Identifiers: ClinVar variation 5013377 (VCV005013377.1), dbSNP rs2126909579.
Genomic context (GRCh38, chr5:13,793,522, plus strand): 5'-CCCAAGCAGGTGTTCTTCCTCACCCTCCCACCCCACATCCTCTTGATCTTTACCAAAGAT[CT>C]TGTCCACAGAAGCTTCAGAGGGCAACGTGCAATTAAATATAGAGAACTGCCTCTTGAGTC-3'

ClinVar aggregate classification (germline): Pathogenic (1 of 4 stars; one submission).

Conditions:
Primary ciliary dyskinesia 3. Identifiers: Orphanet 244, MedGen C1837618, MONDO:0012085, OMIM 608644.

Submission:

Myriad Genetics, Inc.
Classification: Pathogenic for Primary ciliary dyskinesia 3. Last evaluated: 2024-07-27. Review status: criteria provided, single submitter. Criteria: Myriad Autosomal Dominant, Autosomal Recessive and X-Linked Classification Criteria (2023). Collection method: clinical testing. Allele origin: unknown.
Comment: NM_001369.2(DNAH5):c.8216delA(K2739Rfs*5) is expected to be pathogenic in the context of primary ciliary dyskinesia, DNAH5-related. This variant is predicted to lead to an abnormal or absent protein product due to the creation of a premature termination codon in DNAH5, a gene where loss-of-function variants are known to be pathogenic. Please note: this variant was assessed in the context of healthy population screening.